The following is an entry in ClinVar:

ClinVar aggregate classification (germline): Uncertain significance (1 of 4 stars; one submission).

Conditions:
Bethlem myopathy 1A. Also called: MYOPATHY, BENIGN CONGENITAL, WITH CONTRACTURES; Bethlem Muscular Dystrophy; Bethlem myopathy 1. Identifiers: Orphanet 610, MedGen CN029274, MONDO:0024530, OMIM 158810.

Submission:

Labcorp Genetics (formerly Invitae), Labcorp
Classification: Uncertain significance for Bethlem myopathy 1A. Last evaluated: 2022-08-23. Review status: criteria provided, single submitter. Criteria: Invitae Variant Classification Sherloc (09022015). Collection method: clinical testing. Allele origin: germline.
Comment: This sequence change replaces glutamic acid, which is acidic and polar, with glycine, which is neutral and non-polar, at codon 690 of the COL6A3 protein (p.Glu690Gly). This variant is not present in population databases (gnomAD no frequency). This variant has not been reported in the literature in individuals affected with COL6A3-related conditions. ClinVar contains an entry for this variant (Variation ID: 1416072). Algorithms developed to predict the effect of missense changes on protein structure and function are either unavailable or do not agree on the potential impact of this missense change (SIFT: "Tolerated"; PolyPhen-2: "Probably Damaging"; Align-GVGD: "Class C0"). In summary, the available evidence is currently insufficient to determine the role of this variant in disease. Therefore, it has been classified as a Variant of Uncertain Significance.

NM_004369.4(COL6A3):c.2069A>G (p.Glu690Gly)

Gene: COL6A3 (collagen type VI alpha 3 chain; minus strand). Cytogenetic location: 2q37.3.
Variant type: single nucleotide variant.
Coding change: c.2069A>G on transcript NM_004369.4 (MANE Select); coding-DNA position 2069, A replaced by G.
Protein change: p.Glu690Gly; replaces glutamic acid 690 with glycine.
Molecular consequence: missense variant. On other transcripts: intron variant (1).
Genome position (GRCh38, 1-based): chr2:237,379,064, T>C on the plus strand (A>G on the coding strand, the complement: COL6A3 is on the minus strand). VCF-style: chr2-237379064-T-C. GRCh37 (hg19) VCF-style: chr2-238287707-T-C.
Other names: c.848A>G, p.Glu283Gly (NM_057164.5); c.1451A>G, p.Glu484Gly (NM_057165.5, NM_057167.4); c.677-1720A>G (NM_057166.5); short protein forms E283G, E690G, E484G.
Identifiers: ClinVar variation 1416072 (VCV001416072.8), dbSNP rs2106367237, ClinGen allele CA351214715.